The following is an entry in ClinVar:

ClinVar aggregate classification (germline): Likely pathogenic (1 of 4 stars; one submission).

Conditions:
Diamond-Blackfan anemia. Also called: Blackfan Diamond syndrome; Aregenerative anemia chronic congenital; Red cell aplasia, pure hereditary; Congenital hypoplastic anemia; Aase syndrome. Identifiers: Orphanet 124, MedGen C1260899, MeSH D029503, MONDO:0015253, HP:0004810.

Submission:

Labcorp Genetics (formerly Invitae), Labcorp
Classification: Likely pathogenic for Diamond-Blackfan anemia. Last evaluated: 2021-09-29. Review status: criteria provided, single submitter. Criteria: Invitae Variant Classification Sherloc (09022015). Collection method: clinical testing. Allele origin: germline.
Comment: In summary, the currently available evidence indicates that the variant is pathogenic, but additional data are needed to prove that conclusively. Therefore, this variant has been classified as Likely Pathogenic. Algorithms developed to predict the effect of sequence changes on RNA splicing suggest that this variant may disrupt the consensus splice site. This variant has not been reported in the literature in individuals affected with RPL5-related conditions. This variant is not present in population databases (ExAC no frequency). This sequence change affects an acceptor splice site in intron 2 of the RPL5 gene. It is expected to disrupt RNA splicing. Variants that disrupt the donor or acceptor splice site typically lead to a loss of protein function (PMID: 16199547), and loss-of-function variants in RPL5 are known to be pathogenic (PMID: 19061985, 19773262).

Literature cited by the submitters: PubMed 16199547; PubMed 19061985; PubMed 19773262.

NM_000969.5(RPL5):c.74-2A>G

Genes: DIPK1A (divergent protein kinase domain 1A; minus strand), RPL5 (ribosomal protein L5; plus strand). Cytogenetic location: 1p22.1.
Variant type: single nucleotide variant.
Coding change: c.74-2A>G on transcript NM_000969.5 (MANE Select); the canonical splice acceptor site of the intron before coding-DNA position 74, A replaced by G.
Molecular consequence: splice acceptor variant. On other transcripts: intron variant (1).
Genome position (GRCh38, 1-based): chr1:92,833,543, A>G. VCF-style: chr1-92833543-A-G. GRCh37 (hg19) VCF-style: chr1-93299100-A-G.
Other names: c.475-509T>C (NM_001252273.2).
Identifiers: ClinVar variation 1513641 (VCV001513641.7), dbSNP rs2100676852, ClinGen allele CA341240795.